The following is an entry in ClinVar:

NM_000051.4(ATM):c.8429A>C (p.Lys2810Thr)

Genes: ATM (ATM serine/threonine kinase; plus strand), C11orf65 (chromosome 11 open reading frame 65; minus strand). Cytogenetic location: 11q22.3.
Variant type: single nucleotide variant.
Coding change: c.8429A>C on transcript NM_000051.4 (MANE Select); coding-DNA position 8429, A replaced by C.
Protein change: p.Lys2810Thr; replaces lysine 2810 with threonine.
Molecular consequence: missense variant. On other transcripts: intron variant (2).
Genome position (GRCh38, 1-based): chr11:108,345,753, A>C. VCF-style: chr11-108345753-A-C. GRCh37 (hg19) VCF-style: chr11-108216480-A-C.
Other names: c.8429A>C, p.Lys2810Thr (NM_001351834.2); c.641-36682T>G (NM_001330368.2); c.695-10461T>G (NM_001351110.2); short protein forms K2810T.
Identifiers: ClinVar variation 524247 (VCV000524247.7), dbSNP rs1555137999, ClinGen allele CA382517759.

ClinVar aggregate classification (germline): Uncertain significance. Review status: criteria provided, multiple submitters, no conflicts (2 of 4 stars). 2 submissions from 2 submitters: Uncertain significance (2). Last evaluated 2021-08-30.

Conditions:
Hereditary cancer-predisposing syndrome. Also called: Hereditary Cancer Syndrome; Neoplastic Syndromes, Hereditary; Tumor predisposition; Hereditary neoplastic syndrome. Identifiers: Orphanet 140162, MedGen C0027672, MeSH D009386, MONDO:0015356.
Ataxia-telangiectasia syndrome (AT). Also called: Cerebello-oculocutaneous telangiectasia; Immunodeficiency with ataxia telangiectasia; Ataxia-telangiectasia, complementation group E; Ataxia-telangiectasia, complementation group D; AT, COMPLEMENTATION GROUP C; ATAXIA-TELANGIECTASIA, COMPLEMENTATION GROUP A. Identifiers: Orphanet 100, MedGen C0004135, MONDO:0008840, OMIM 208900.

Submissions (2):

Labcorp Genetics (formerly Invitae), Labcorp
Classification: Uncertain significance for Ataxia-telangiectasia syndrome. Last evaluated: 2021-08-30. Review status: criteria provided, single submitter. Criteria: Invitae Variant Classification Sherloc (09022015). Collection method: clinical testing. Allele origin: germline.
Comment: This sequence change replaces lysine with threonine at codon 2810 of the ATM protein (p.Lys2810Thr). The lysine residue is weakly conserved and there is a moderate physicochemical difference between lysine and threonine. This variant is not present in population databases (ExAC no frequency). This variant has not been reported in the literature in individuals affected with ATM-related conditions. Algorithms developed to predict the effect of missense changes on protein structure and function (SIFT, PolyPhen-2, Align-GVGD) all suggest that this variant is likely to be tolerated. In summary, the available evidence is currently insufficient to determine the role of this variant in disease. Therefore, it has been classified as a Variant of Uncertain Significance.

Sema4
Classification: Uncertain significance for Hereditary cancer-predisposing syndrome. Last evaluated: 2021-05-17. Review status: criteria provided, single submitter. Criteria: Sema4 Curation Guidelines. Collection method: curation. Allele origin: germline.
Comment: To the best of our knowledge, the ATM c.8429A>C (p.K2810T) variant has not been reported in individuals with ATM-related disease. It was not observed in the large and broad cohorts of the Genome Aggregation Database (PMID: 32461654). This variant has been reported in ClinVar (Variation ID 524247). In silico tools suggest the impact of the variant on protein function is inconclusive though these predictions have not been confirmed by functional studies. The evidence is insufficient to meet ACMG/AMP criteria for classifying the variant as benign or pathogenic. Thus, the clinical significance of this variant is currently uncertain.